The following is an entry in ClinVar:

NM_001040716.2(PC):c.838_844del (p.Ala280fs)

Gene: PC (pyruvate carboxylase; minus strand). Cytogenetic location: 11q13.2.
Variant type: Deletion.
Coding change: c.838_844del on transcript NM_001040716.2 (MANE Select); coding-DNA positions 838 to 844, 7 bases deleted (GCCGCCC; older notation c.838_844delGCCGCCC).
Protein change: p.Ala280fs; shifts the reading frame from alanine 280.
Molecular consequence: frameshift variant.
Genome position (GRCh38, 1-based): chr11:66,870,361-66,870,367, GGGCGGC deleted on the plus strand (GCCGCCC on the coding strand, the reverse complement: PC is on the minus strand); deleting any 7 consecutive bases within chr11:66,870,361-66,870,370 gives the same sequence; the c. name uses the placement nearest the transcript's 3' end. VCF-style (leftmost placement, unchanged base first): chr11-66870360-TGGGCGGC-T. GRCh37 (hg19) VCF-style: chr11-66637831-TGGGCGGC-T.
Other names: c.838_844del, p.Ala280fs (NM_000920.4, NM_022172.3); short protein forms A280fs.
Identifiers: ClinVar variation 2859709 (VCV002859709.3), dbSNP rs2495762440, ClinGen allele CA2739270602.

ClinVar aggregate classification (germline): Pathogenic (1 of 4 stars; one submission).

Conditions:
Pyruvate carboxylase deficiency. Also called: Pyruvate Carboxylase Deficiency Disease; ATAXIA WITH LACTIC ACIDOSIS II; LEIGH NECROTIZING ENCEPHALOPATHY DUE TO PYRUVATE CARBOXYLASE DEFICIENCY; LEIGH SYNDROME DUE TO PYRUVATE CARBOXYLASE DEFICIENCY; PC DEFICIENCY. Identifiers: Orphanet 3008, MedGen C0034341, MONDO:0009949, OMIM 266150.

Submission:

Labcorp Genetics (formerly Invitae), Labcorp
Classification: Pathogenic for Pyruvate carboxylase deficiency. Last evaluated: 2023-04-27. Review status: criteria provided, single submitter. Criteria: Invitae Variant Classification Sherloc (09022015). Collection method: clinical testing. Allele origin: germline.
Comment: For these reasons, this variant has been classified as Pathogenic. This variant has not been reported in the literature in individuals affected with PC-related conditions. This variant is not present in population databases (gnomAD no frequency). This sequence change creates a premature translational stop signal (p.Ala280Thrfs*15) in the PC gene. It is expected to result in an absent or disrupted protein product. Loss-of-function variants in PC are known to be pathogenic (PMID: 12112657, 19306334).

Literature cited by the submitters: PubMed 12112657; PubMed 19306334.